The following is an entry in ClinVar:

ClinVar aggregate classification (germline): Likely benign (0 of 4 stars; one submission).

Conditions:
CUL4B-related disorder. Also called: CUL4B-related condition.

Submission:

PreventionGenetics, part of Exact Sciences
Classification: Likely benign for CUL4B-related condition. Last evaluated: 2023-11-02. Review status: no assertion criteria provided. Collection method: clinical testing. Allele origin: germline.
Comment: This variant is classified as likely benign based on ACMG/AMP sequence variant interpretation guidelines (Richards et al. 2015 PMID: 25741868, with internal and published modifications).

NM_003588.4(CUL4B):c.67+9dup

Gene: CUL4B (cullin 4B; minus strand). Cytogenetic location: Xq24.
Variant type: Duplication.
Coding change: c.67+9dup on transcript NM_003588.4; 9 bases into the intron after coding-DNA position 67, one base duplicated (A; older notation c.67+9dupA).
Molecular consequence: intron variant.
Genome position (GRCh38, 1-based): chrX:120,574,542, T duplicated on the plus strand (A on the coding strand, the reverse complement: CUL4B is on the minus strand); the first of 3 consecutive T bases (chrX:120,574,542-120,574,544); duplicating any one gives the same sequence. VCF-style (leftmost placement, unchanged base first): chrX-120574541-A-AT. GRCh37 (hg19) VCF-style: chrX-119708396-A-AT.
Identifiers: ClinVar variation 3349729 (VCV003349729.1).